The following is an entry in ClinVar:

ClinVar aggregate classification (germline): Uncertain significance (1 of 4 stars; one submission).

Conditions:
Progressive familial heart block type IB (PFHB1B). Identifiers: Orphanet 871, MedGen C1970298, MONDO:0011474, OMIM 604559.

Allele frequency attached by ClinVar (database versions not stated): TOPMed below 0.00001; gnomAD 0.00001.
gnomAD v4.1: 2 of 1,604,858 alleles (0.00012%); highest among the groups gnomAD compares: Non-Finnish European, 0.00017%; no homozygotes.

Submission:

Labcorp Genetics (formerly Invitae), Labcorp
Classification: Uncertain significance for Progressive familial heart block type IB. Last evaluated: 2021-04-18. Review status: criteria provided, single submitter. Criteria: Invitae Variant Classification Sherloc (09022015). Collection method: clinical testing. Allele origin: germline.
Comment: This variant is not present in population databases (ExAC no frequency). This sequence change replaces valine with methionine at codon 58 of the TRPM4 protein (p.Val58Met). The valine residue is moderately conserved and there is a small physicochemical difference between valine and methionine. This variant has not been reported in the literature in individuals with TRPM4-related conditions. Algorithms developed to predict the effect of missense changes on protein structure and function are either unavailable or do not agree on the potential impact of this missense change (SIFT: "Tolerated"; PolyPhen-2: "Probably Damaging"; Align-GVGD: "Class C0"). In summary, the available evidence is currently insufficient to determine the role of this variant in disease. Therefore, it has been classified as a Variant of Uncertain Significance.

NM_017636.4(TRPM4):c.172G>A (p.Val58Met)

Gene: TRPM4 (transient receptor potential cation channel subfamily M member 4; plus strand). Cytogenetic location: 19q13.33.
Variant type: single nucleotide variant.
Coding change: c.172G>A on transcript NM_017636.4 (MANE Select); coding-DNA position 172, G replaced by A.
Protein change: p.Val58Met; replaces valine 58 with methionine.
Molecular consequence: missense variant. On other transcripts: 5 prime UTR variant (1), intron variant (2).
Genome position (GRCh38, 1-based): chr19:49,166,120, G>A. VCF-style: chr19-49166120-G-A. GRCh37 (hg19) VCF-style: chr19-49669377-G-A.
Other names: c.172G>A, p.Val58Met (NM_001195227.2, NM_001321281.2); c.-1201G>A (NM_001321282.2); c.-74-2140G>A (NM_001321283.2); c.-237-2433G>A (NM_001321285.2); short protein forms V58M.
Identifiers: ClinVar variation 1519596 (VCV001519596.8), dbSNP rs1967165520, ClinGen allele CA406789498.